The following is an entry in ClinVar:

NM_138694.4(PKHD1):c.1166C>T (p.Thr389Ile)

Gene: PKHD1 (PKHD1 ciliary IPT domain containing fibrocystin/polyductin; minus strand). Cytogenetic location: 6p12.2.
Variant type: single nucleotide variant.
Coding change: c.1166C>T on transcript NM_138694.4 (MANE Select); coding-DNA position 1166, C replaced by T.
Protein change: p.Thr389Ile; replaces threonine 389 with isoleucine.
Molecular consequence: missense variant.
Genome position (GRCh38, 1-based): chr6:52,059,995, G>A on the plus strand (C>T on the coding strand, the complement: PKHD1 is on the minus strand). VCF-style: chr6-52059995-G-A. GRCh37 (hg19) VCF-style: chr6-51924793-G-A.
Other names: c.1166C>T, p.Thr389Ile (NM_170724.3); short protein forms T389I.
Identifiers: ClinVar variation 1805023 (VCV001805023.1), dbSNP rs1808430812, ClinGen allele CA364427601.

ClinVar aggregate classification (germline): Uncertain significance (1 of 4 stars; one submission).

Conditions:
Polycystic kidney disease 4 (PKD4). Also called: PKD3; Autosomal Recessive Polycystic Kidney Disease – PKHD1; POLYCYSTIC KIDNEY AND HEPATIC DISEASE 1; POLYCYSTIC KIDNEY DISEASE, INFANTILE, TYPE I; POLYCYSTIC KIDNEY DISEASE 4 WITH OR WITHOUT POLYCYSTIC LIVER DISEASE. Identifiers: MedGen C4540575, MONDO:0033004, OMIM 263200.

Allele frequency attached by ClinVar (database versions not stated): gnomAD exomes below 0.00001.
gnomAD v4.1: 1 of 1,611,538 alleles (0.000062%); highest among the groups gnomAD compares: Non-Finnish European, 0.000085%; no homozygotes.

Submission:

Victorian Clinical Genetics Services, Murdoch Childrens Research Institute
Classification: Uncertain significance for Polycystic kidney disease 4. Last evaluated: 2021-05-06. Review status: criteria provided, single submitter. Criteria: ACMG Guidelines, 2015. Collection method: clinical testing. Allele origin: germline. Inheritance: Autosomal recessive inheritance.
Comment: Based on the classification scheme VCGS_Germline_v1.3.4, this variant is classified as VUS-3A. Following criteria are met: 0102 - Loss of function is a known mechanism of disease in this gene and is associated with polycystic kidney disease 4, with or without hepatic disease (MIM#263200). (I) 0106 - This gene is associated with autosomal recessive disease. (I) 0200 - Variant is predicted to result in a missense amino acid change from threonine to isoleucine. (I) 0251 - This variant is heterozygous. (I) 0301 - Variant is absent from gnomAD (both v2 and v3). (SP) 0502 - Missense variant with conflicting in silico predictions and very high conservation. (I) 0604 - Variant is not located in an established domain, motif, hotspot or informative constraint region. (I) 0705 - No comparable missense variants have previous evidence for pathogenicity. (I) 0807 - This variant has no previous evidence of pathogenicity. (I) 0905 - No published segregation evidence has been identified for this variant. (I) 1007 - No published functional evidence has been identified for this variant. It is recommended that this result be confirmed in an accredited lab. (I) Legend: (SP) - Supporting pathogenic, (I) - Information, (SB) - Supporting benign